The following is an entry in ClinVar:

NM_032447.5(FBN3):c.4626C>T (p.Tyr1542=)

Gene: FBN3 (fibrillin 3; minus strand). Cytogenetic location: 19p13.2.
Variant type: single nucleotide variant.
Coding change: c.4626C>T on transcript NM_032447.5 (MANE Select); coding-DNA position 4626, C replaced by T.
Protein change: p.Tyr1542=; no amino-acid change (tyrosine 1542 retained).
Molecular consequence: synonymous variant.
Genome position (GRCh38, 1-based): chr19:8,108,231, G>A on the plus strand (C>T on the coding strand, the complement: FBN3 is on the minus strand). VCF-style: chr19-8108231-G-A. GRCh37 (hg19) VCF-style: chr19-8173115-G-A.
Other names: c.4626C>T, p.Tyr1542= (NM_001321431.2).
Identifiers: ClinVar variation 3716360 (VCV003716360.15).

ClinVar aggregate classification (germline): Likely benign. Review status: criteria provided, multiple submitters, no conflicts (2 of 4 stars). 2 submissions from 2 submitters: Likely benign (2). Last evaluated 2025-11-18.

gnomAD v4.1: 11 of 1,610,474 alleles (0.00068%); highest among the groups gnomAD compares: African/African-American, 0.0013%; 1 homozygote.

Submissions (2):

Labcorp Genetics (formerly Invitae), Labcorp
Classification: Likely benign. Last evaluated: 2025-11-18. Review status: criteria provided, single submitter. Criteria: Invitae Variant Classification Sherloc (09022015). Collection method: clinical testing. Allele origin: germline.

CeGaT Center for Human Genetics Tuebingen
Classification: Likely benign. Last evaluated: 2025-02-01. Review status: criteria provided, single submitter. Criteria: CeGaT Center For Human Genetics Tuebingen Variant Classification Criteria Version 2. Collection method: clinical testing. Allele origin: germline. Affected: yes. Observed: 1 variant allele.
Comment: FBN3: BP4, BP7